The following is an entry in ClinVar:

ClinVar aggregate classification (germline): Uncertain significance (1 of 4 stars; one submission).

Allele frequency attached by ClinVar (database versions not stated): TOPMed 0.00002.
gnomAD v4.1: 5 of 1,614,008 alleles (0.00031%); highest among the groups gnomAD compares: Non-Finnish European, 0.00042%; no homozygotes.

Submission:

Labcorp Genetics (formerly Invitae), Labcorp
Classification: Uncertain significance. Last evaluated: 2018-12-18. Review status: criteria provided, single submitter. Criteria: Invitae Variant Classification Sherloc (09022015). Collection method: clinical testing. Allele origin: germline.
Comment: This variant is not present in population databases (ExAC no frequency). In summary, the available evidence is currently insufficient to determine the role of this variant in disease. Therefore, it has been classified as a Variant of Uncertain Significance. Algorithms developed to predict the effect of sequence changes on RNA splicing suggest that this variant may create or strengthen a splice site, but this prediction has not been confirmed by published transcriptional studies. Algorithms developed to predict the effect of missense changes on protein structure and function are either unavailable or do not agree on the potential impact of this missense change (SIFT: "Deleterious"; PolyPhen-2: "Probably Damaging"; Align-GVGD: "Class C0"). This variant has not been reported in the literature in individuals with PRKN-related disease. This sequence change replaces histidine with glutamine at codon 257 of the PRKN protein (p.His257Gln). The histidine residue is highly conserved and there is a small physicochemical difference between histidine and glutamine.

NM_004562.3(PRKN):c.771C>G (p.His257Gln)

Gene: PRKN (parkin RBR E3 ubiquitin protein ligase; minus strand). Cytogenetic location: 6q26.
Variant type: single nucleotide variant.
Coding change: c.771C>G on transcript NM_004562.3 (MANE Select); coding-DNA position 771, C replaced by G.
Protein change: p.His257Gln; replaces histidine 257 with glutamine.
Molecular consequence: missense variant.
Genome position (GRCh38, 1-based): chr6:161,785,872, G>C on the plus strand (C>G on the coding strand, the complement: PRKN is on the minus strand). VCF-style: chr6-161785872-G-C. GRCh37 (hg19) VCF-style: chr6-162206904-G-C.
Other names: c.687C>G, p.His229Gln (NM_013987.3); c.324C>G, p.His108Gln (NM_013988.3); short protein forms H229Q, H257Q, H108Q.
Identifiers: ClinVar variation 659971 (VCV000659971.8), dbSNP rs748797721, ClinGen allele CA366465650.
Genomic context (GRCh38, chr6:161,785,872, plus strand): 5'-AAACTGCCGATCATTGAGTCTTGTCACACAGTATAAGTGGAAACAGTCTAAGCAAATCAC[G>C]TGGCGGGAGTTGCACTGGAAAACCAGGACGGGGCTCCTGCAGAGAGAAAGGAAGATGTTT-3'
Protein context (NP_004553.2, residues 247-267): PVLVFQCNSR[His257Gln]VICLDCFHLY